The following is an entry in ClinVar:

ClinVar aggregate classification (germline): Uncertain significance (1 of 4 stars; one submission).

Conditions:
Ataxia-telangiectasia syndrome (AT). Also called: LOUIS-BAR SYNDROME; AT, COMPLEMENTATION GROUP C; ATAXIA-TELANGIECTASIA, COMPLEMENTATION GROUP A; ATAXIA-TELANGIECTASIA, FRESNO VARIANT; Ataxia-telangiectasia; Cerebello-oculocutaneous telangiectasia. Identifiers: Orphanet 100, MedGen C0004135, MONDO:0008840, OMIM 208900.

Submission:

Labcorp Genetics (formerly Invitae), Labcorp
Classification: Uncertain significance for Ataxia-telangiectasia syndrome. Last evaluated: 2023-08-28. Review status: criteria provided, single submitter. Criteria: Invitae Variant Classification Sherloc (09022015). Collection method: clinical testing. Allele origin: germline.
Comment: In summary, the available evidence is currently insufficient to determine the role of this variant in disease. Therefore, it has been classified as a Variant of Uncertain Significance. Algorithms developed to predict the effect of sequence changes on RNA splicing suggest that this variant may create or strengthen a splice site. An algorithm developed to predict the effect of missense changes on protein structure and function (PolyPhen-2) suggests that this variant is likely to be disruptive. This variant has not been reported in the literature in individuals affected with ATM-related conditions. This variant is not present in population databases (gnomAD no frequency). This sequence change replaces leucine, which is neutral and non-polar, with glutamine, which is neutral and polar, at codon 1647 of the ATM protein (p.Leu1647Gln).

NM_000051.4(ATM):c.4940T>A (p.Leu1647Gln)

Gene: ATM (ATM serine/threonine kinase; plus strand). Cytogenetic location: 11q22.3.
Variant type: single nucleotide variant.
Coding change: c.4940T>A on transcript NM_000051.4 (MANE Select); coding-DNA position 4940, T replaced by A.
Protein change: p.Leu1647Gln; replaces leucine 1647 with glutamine.
Molecular consequence: missense variant.
Genome position (GRCh38, 1-based): chr11:108,297,317, T>A. VCF-style: chr11-108297317-T-A. GRCh37 (hg19) VCF-style: chr11-108168044-T-A.
Other names: c.4940T>A, p.Leu1647Gln (NM_001351834.2); short protein forms L1647Q.
Identifiers: ClinVar variation 2755826 (VCV002755826.3), dbSNP rs2546954535, ClinGen allele CA382538190.
Genomic context (GRCh38, chr11:108,297,317, plus strand): 5'-TTAAACTAATTTTTAAAAAATTATTTCTAGATAATCCGCAAGATGGGATTATGGTGAAAC[T>A]AGTTGTCAATTTGTTGCAGTTATCCAAGATGGCAATAAACCACACTGGTGAAAAAGAAGT-3'
Protein context (NP_000042.3, residues 1637-1657): DNPQDGIMVK[Leu1647Gln]VVNLLQLSKM